The following is an entry in ClinVar:

ClinVar aggregate classification (germline): Uncertain significance. Review status: criteria provided, multiple submitters, no conflicts (2 of 4 stars). 2 submissions from 2 submitters: Uncertain significance (2). Last evaluated 2022-05-27.

Conditions:
Infantile-onset ascending hereditary spastic paralysis (IAHSP). Also called: Autosomal Recessive Juvenile Amyotrophic Lateral Sclerosis; Infantile-Onset Ascending Hereditary Spastic Paralysis (IAHSP). Identifiers: Orphanet 293168, MedGen C2931441, MONDO:0011797, OMIM 607225. Disease mechanism: loss of function.

Allele frequency attached by ClinVar (database versions not stated): gnomAD 0.00003; gnomAD exomes 0.00004 and 0.00005; TOPMed 0.00004; ExAC 0.00006.
gnomAD v4.1: 69 of 1,614,090 alleles (0.0043%); highest among the groups gnomAD compares: Non-Finnish European, 0.0057%; no homozygotes.

Submissions (2):

Labcorp Genetics (formerly Invitae), Labcorp
Classification: Uncertain significance for Infantile-onset ascending hereditary spastic paralysis. Last evaluated: 2022-05-27. Review status: criteria provided, single submitter. Criteria: Invitae Variant Classification Sherloc (09022015). Collection method: clinical testing. Allele origin: germline.
Comment: This sequence change replaces alanine, which is neutral and non-polar, with threonine, which is neutral and polar, at codon 105 of the ALS2 protein (p.Ala105Thr). This variant is present in population databases (rs760204583, gnomAD 0.009%). This variant has not been reported in the literature in individuals affected with ALS2-related conditions. ClinVar contains an entry for this variant (Variation ID: 870951). Algorithms developed to predict the effect of missense changes on protein structure and function are either unavailable or do not agree on the potential impact of this missense change (SIFT: "Deleterious"; PolyPhen-2: "Probably Damaging"; Align-GVGD: "Class C0"). In summary, the available evidence is currently insufficient to determine the role of this variant in disease. Therefore, it has been classified as a Variant of Uncertain Significance.

CeGaT Center for Human Genetics Tuebingen
Classification: Uncertain significance. Last evaluated: 2020-01-01. Review status: criteria provided, single submitter. Criteria: CeGaT Center For Human Genetics Tuebingen Variant Classification Criteria Version 2. Collection method: clinical testing. Allele origin: germline. Affected: yes. Observed: 1 variant allele.

NM_020919.4(ALS2):c.313G>A (p.Ala105Thr)

Gene: ALS2 (alsin Rho guanine nucleotide exchange factor ALS2; minus strand). Cytogenetic location: 2q33.1.
Variant type: single nucleotide variant.
Coding change: c.313G>A on transcript NM_020919.4 (MANE Select); coding-DNA position 313, G replaced by A.
Protein change: p.Ala105Thr; replaces alanine 105 with threonine.
Molecular consequence: missense variant.
Genome position (GRCh38, 1-based): chr2:201,761,681, C>T on the plus strand (G>A on the coding strand, the complement: ALS2 is on the minus strand). VCF-style: chr2-201761681-C-T. GRCh37 (hg19) VCF-style: chr2-202626404-C-T.
Other names: c.313G>A, p.Ala105Thr (NM_001135745.2); short protein forms A105T.
Identifiers: ClinVar variation 870951 (VCV000870951.42), dbSNP rs760204583, ClinGen allele CA2058673.